The following is an entry in ClinVar:

NM_004963.4(GUCY2C):c.2517C>A (p.Tyr839Ter)

Gene: GUCY2C (guanylate cyclase 2C; minus strand). Cytogenetic location: 12p12.3.
Variant type: single nucleotide variant.
Coding change: c.2517C>A on transcript NM_004963.4 (MANE Select); coding-DNA position 2517, C replaced by A.
Protein change: p.Tyr839Ter; replaces tyrosine 839 with a stop codon.
Molecular consequence: nonsense.
Genome position (GRCh38, 1-based): chr12:14,622,089, G>T on the plus strand (C>A on the coding strand, the complement: GUCY2C is on the minus strand). VCF-style: chr12-14622089-G-T. GRCh37 (hg19) VCF-style: chr12-14775023-G-T.
Other names: short protein forms Y839*.
Identifiers: ClinVar variation 4701506 (VCV004701506.1).

ClinVar aggregate classification (germline): Uncertain significance (1 of 4 stars; one submission).

gnomAD v4.1: 2 of 1,609,846 alleles (0.00012%); highest among the groups gnomAD compares: Admixed American, 0.0034%; no homozygotes.

Submission:

Labcorp Genetics (formerly Invitae), Labcorp
Classification: Uncertain significance. Last evaluated: 2025-05-10. Review status: criteria provided, single submitter. Criteria: Invitae Variant Classification Sherloc (09022015). Collection method: clinical testing. Allele origin: germline.
Comment: This sequence change creates a premature translational stop signal (p.Tyr839*) in the GUCY2C gene. It is expected to result in an absent or disrupted protein product. However, the current clinical and genetic evidence is not sufficient to establish whether loss-of-function variants in GUCY2C cause disease. This variant is not present in population databases (gnomAD no frequency). This variant has not been reported in the literature in individuals affected with GUCY2C-related conditions. Experimental studies and prediction algorithms are not available or were not evaluated, and the functional significance of this variant is currently unknown. In summary, the available evidence is currently insufficient to determine the role of this variant in disease. Therefore, it has been classified as a Variant of Uncertain Significance.